The following is an entry in ClinVar:

ClinVar aggregate classification (germline): Benign/Likely benign. Review status: criteria provided, multiple submitters, no conflicts (2 of 4 stars). 6 submissions from 6 submitters: Benign (2); Likely benign (4). Last evaluated 2026-02-02.

Conditions:
Primary ciliary dyskinesia. Also called: Ciliary dyskinesia. Identifiers: Orphanet 244, MedGen C0008780, MONDO:0016575, HP:0012265.
Primary ciliary dyskinesia 22. Also called: CILIARY DYSKINESIA, PRIMARY, 22, WITH OR WITHOUT SITUS INVERSUS. Identifiers: Orphanet 244, MedGen C3809543, MONDO:0014192, OMIM 615444.

Allele frequency attached by ClinVar (database versions not stated): 1000 Genomes Project 30x 0.00062; 1000 Genomes Project 0.00080; gnomAD 0.00251 and 0.00252; ExAC 0.00276; gnomAD exomes 0.00281; TOPMed 0.00296; ESP Exome Variant Server 0.00323.
gnomAD v4.1: 4,305 of 1,614,188 alleles (0.27%); highest among the groups gnomAD compares: Middle Eastern, 0.79%; 22 homozygotes.

Submissions (6):

Labcorp Genetics (formerly Invitae), Labcorp
Classification: Benign for Primary ciliary dyskinesia. Last evaluated: 2026-02-02. Review status: criteria provided, single submitter. Criteria: Invitae Variant Classification Sherloc (09022015). Collection method: clinical testing. Allele origin: germline.

ARUP Laboratories, Molecular Genetics and Genomics, ARUP Laboratories
Classification: Likely benign for Primary ciliary dyskinesia 22. Last evaluated: 2025-02-03. Review status: criteria provided, single submitter. Criteria: ARUP Molecular Germline Variant Investigation Process 2024. Collection method: clinical testing. Allele origin: germline.

Blueprint Genetics
Classification: Likely benign. Last evaluated: 2024-11-05. Review status: criteria provided, single submitter. Criteria: ACMG Guidelines, 2015. Collection method: clinical testing. Allele origin: germline.

CeGaT Center for Human Genetics Tuebingen
Classification: Likely benign. Last evaluated: 2023-01-01. Review status: criteria provided, single submitter. Criteria: CeGaT Center For Human Genetics Tuebingen Variant Classification Criteria Version 2. Collection method: clinical testing. Allele origin: germline. Affected: yes. Observed: 1 variant allele.
Comment: ZMYND10: BP4, BS2

Fulgent Genetics
Classification: Likely benign for Primary ciliary dyskinesia 22. Last evaluated: 2021-12-17. Review status: criteria provided, single submitter. Criteria: ACMG Guidelines, 2015. Collection method: clinical testing. Allele origin: unknown.

Breakthrough Genomics
Classification: Benign. Review status: criteria provided, single submitter. Criteria: ACMG Guidelines, 2015. Collection method: not provided. Allele origin: germline. Inheritance: Autosomal recessive inheritance. Affected: yes.

NM_015896.4(ZMYND10):c.1019G>A (p.Arg340Gln)

Gene: ZMYND10 (zinc finger MYND-type containing 10; minus strand). Cytogenetic location: 3p21.31.
Variant type: single nucleotide variant.
Coding change: c.1019G>A on transcript NM_015896.4 (MANE Select); coding-DNA position 1019, G replaced by A.
Protein change: p.Arg340Gln; replaces arginine 340 with glutamine.
Molecular consequence: missense variant.
Genome position (GRCh38, 1-based): chr3:50,341,912, C>T on the plus strand (G>A on the coding strand, the complement: ZMYND10 is on the minus strand). VCF-style: chr3-50341912-C-T. GRCh37 (hg19) VCF-style: chr3-50379343-C-T.
Other names: c.1004G>A, p.Arg335Gln (NM_001308379.2); short protein forms R340Q, R335Q.
Identifiers: ClinVar variation 241065 (VCV000241065.39), dbSNP rs148328402, ClinGen allele CA2417016.